The following is an entry in ClinVar:

NM_004944.4(DNASE1L3):c.511G>C (p.Val171Leu)

Gene: DNASE1L3 (deoxyribonuclease 1L3; minus strand). Cytogenetic location: 3p14.3.
Variant type: single nucleotide variant.
Coding change: c.511G>C on transcript NM_004944.4 (MANE Select); coding-DNA position 511, G replaced by C.
Protein change: p.Val171Leu; replaces valine 171 with leucine.
Molecular consequence: missense variant.
Genome position (GRCh38, 1-based): chr3:58,201,032, C>G on the plus strand (G>C on the coding strand, the complement: DNASE1L3 is on the minus strand). VCF-style: chr3-58201032-C-G. GRCh37 (hg19) VCF-style: chr3-58186759-C-G.
Other names: c.421G>C, p.Val141Leu (NM_001256560.2); short protein forms V171L, V141L.
Identifiers: ClinVar variation 3699990 (VCV003699990.2).
Genomic context (GRCh38, chr3:58,201,032, plus strand): 5'-ATTCGTCTGACACAGCAGTCCTCACCTCCGCCTTCCAGCGGTGTTTCACGTCCGTGTAGA[C>G]CTCAACCAACTCATCGATCTCCTTAACGGATGTCTCTGGGGTGGTGTGCAGGGGGATAAT-3'
Protein context (NP_004935.1, residues 161-181): SVKEIDELVE[Val171Leu]YTDVKHRWKA

ClinVar aggregate classification (germline): Uncertain significance (1 of 4 stars; one submission).

Submission:

Labcorp Genetics (formerly Invitae), Labcorp
Classification: Uncertain significance. Last evaluated: 2024-02-02. Review status: criteria provided, single submitter. Criteria: Invitae Variant Classification Sherloc (09022015). Collection method: clinical testing. Allele origin: germline.
Comment: This sequence change replaces valine, which is neutral and non-polar, with leucine, which is neutral and non-polar, at codon 171 of the DNASE1L3 protein (p.Val171Leu). This variant is present in population databases (rs760104568, gnomAD 0.0009%). This variant has not been reported in the literature in individuals affected with DNASE1L3-related conditions. An algorithm developed to predict the effect of missense changes on protein structure and function (PolyPhen-2) suggests that this variant is likely to be disruptive. In summary, the available evidence is currently insufficient to determine the role of this variant in disease. Therefore, it has been classified as a Variant of Uncertain Significance.